The following is an entry in ClinVar:

ClinVar aggregate classification (germline): Uncertain significance (1 of 4 stars; one submission).

Conditions:
Cardiovascular phenotype. Identifiers: MedGen CN230736.

Submission:

Molecular Diagnostic Laboratory for Inherited Cardiovascular Disease, Montreal Heart Institute
Classification: Uncertain significance for Cardiovascular phenotype. Last evaluated: 2025-04-09. Review status: criteria provided, single submitter. Criteria: ACMG Guidelines, 2015. Collection method: clinical testing. Allele origin: germline. Affected: yes.
Comment: PVS1_mod, PM2

NM_005477.3(HCN4):c.1144del (p.Ile382fs)

Genes: HCN4 (hyperpolarization activated cyclic nucleotide gated potassium channel 4; minus strand), LOC105370890 (uncharacterized LOC105370890; plus strand), LOC126862173 (CDK7 strongly-dependent group 2 enhancer GRCh37_chr15:73635762-73636961; plus strand). Cytogenetic location: 15q24.1.
Variant type: Deletion.
Coding change: c.1144del on transcript NM_005477.3 (MANE Select); coding-DNA position 1144, one base deleted (A; older notation c.1144delA).
Protein change: p.Ile382fs; shifts the reading frame from isoleucine 382.
Molecular consequence: frameshift variant. On other transcripts: non-coding transcript variant (1).
Genome position (GRCh38, 1-based): chr15:73,343,450, T deleted on the plus strand (A on the coding strand, the reverse complement: HCN4 is on the minus strand). VCF-style (leftmost placement, unchanged base first): chr15-73343449-AT-A. GRCh37 (hg19) VCF-style: chr15-73635790-AT-A.
Other names: short protein forms I382fs.
Identifiers: ClinVar variation 3895262 (VCV003895262.1).